The following is an entry in ClinVar:

ClinVar aggregate classification (germline): Uncertain significance. Review status: criteria provided, multiple submitters, no conflicts (2 of 4 stars). 3 submissions from 3 submitters: Uncertain significance (2). 1 of the submissions does not count toward it. Last evaluated 2025-03-29.

Conditions:
Cardiovascular phenotype. Identifiers: MedGen CN230736.
Legius syndrome. Identifiers: Orphanet 137605, MedGen C1969623, MONDO:0012669, OMIM 611431. Disease mechanism: loss of function.
Noonan syndrome (NS). Also called: Noonan's syndrome. Identifiers: Orphanet 648, MedGen C0028326, MeSH D009634, MONDO:0018997. Disease mechanism: gain of function.

Allele frequency attached by ClinVar (database versions not stated): gnomAD exomes below 0.00001; gnomAD 0.00001.
gnomAD v4.1: 2 of 1,613,996 alleles (0.00012%); highest among the groups gnomAD compares: Non-Finnish European, 0.00017%; no homozygotes.

Submissions (3):

Ambry Genetics
Classification: Uncertain significance for Cardiovascular phenotype. Last evaluated: 2025-03-29. Review status: criteria provided, single submitter. Criteria: Ambry Variant Classification Scheme 2023. Collection method: clinical testing. Allele origin: germline.
Comment: The p.S333A variant (also known as c.997T>G), located in coding exon 7 of the SPRED1 gene, results from a T to G substitution at nucleotide position 997. The serine at codon 333 is replaced by alanine, an amino acid with similar properties. This amino acid position is conserved. In addition, this alteration is predicted to be tolerated by in silico analysis. Based on the available evidence, the clinical significance of this variant remains unclear.

Labcorp Genetics (formerly Invitae), Labcorp
Classification: Uncertain significance for Legius syndrome. Last evaluated: 2023-03-07. Review status: criteria provided, single submitter. Criteria: Invitae Variant Classification Sherloc (09022015). Collection method: clinical testing. Allele origin: germline.
Comment: In summary, the available evidence is currently insufficient to determine the role of this variant in disease. Therefore, it has been classified as a Variant of Uncertain Significance. Advanced modeling of protein sequence and biophysical properties (such as structural, functional, and spatial information, amino acid conservation, physicochemical variation, residue mobility, and thermodynamic stability) performed at Invitae indicates that this missense variant is not expected to disrupt SPRED1 protein function. ClinVar contains an entry for this variant (Variation ID: 981543). This variant has not been reported in the literature in individuals affected with SPRED1-related conditions. This variant is present in population databases (no rsID available, gnomAD 0.007%). This sequence change replaces serine, which is neutral and polar, with alanine, which is neutral and non-polar, at codon 333 of the SPRED1 protein (p.Ser333Ala).

Service de Génétique Moléculaire, Hôpital Robert Debré
Classification: Likely benign for Noonan syndrome. Review status: no assertion criteria provided. Collection method: clinical testing. Allele origin: maternal. Affected: no. Not counted in ClinVar's aggregate classification.

NM_152594.3(SPRED1):c.997T>G (p.Ser333Ala)

Gene: SPRED1 (sprouty related EVH1 domain containing 1; plus strand). Cytogenetic location: 15q14.
Variant type: single nucleotide variant.
Coding change: c.997T>G on transcript NM_152594.3 (MANE Select); coding-DNA position 997, T replaced by G.
Protein change: p.Ser333Ala; replaces serine 333 with alanine.
Molecular consequence: missense variant.
Genome position (GRCh38, 1-based): chr15:38,351,326, T>G. VCF-style: chr15-38351326-T-G. GRCh37 (hg19) VCF-style: chr15-38643527-T-G.
Other names: short protein forms S333A.
Identifiers: ClinVar variation 981543 (VCV000981543.5), dbSNP rs1222580149, ClinGen allele CA391933720.